The following is an entry in ClinVar:

NM_002180.3(IGHMBP2):c.2317G>A (p.Gly773Arg)

Gene: IGHMBP2 (immunoglobulin mu DNA binding protein 2; plus strand). Cytogenetic location: 11q13.3.
Variant type: single nucleotide variant.
Coding change: c.2317G>A on transcript NM_002180.3 (MANE Select); coding-DNA position 2317, G replaced by A.
Protein change: p.Gly773Arg; replaces glycine 773 with arginine.
Molecular consequence: missense variant.
Genome position (GRCh38, 1-based): chr11:68,936,797, G>A. VCF-style: chr11-68936797-G-A. GRCh37 (hg19) VCF-style: chr11-68704265-G-A.
Other names: short protein forms G773R.
Identifiers: ClinVar variation 582685 (VCV000582685.9), dbSNP rs754559345, ClinGen allele CA6153882.
Genomic context (GRCh38, chr11:68,936,797, plus strand): 5'-CACGACAGGCTGCGGGTCCACCAAATAGCCGAGGAGCACGGGCTGAGGCACGACAGTTCC[G>A]GGGAAGGGAAGAGGAGGTTCATCACTGTGAGCAAGAGGGCCCCGCGACCCCGAGCAGCCC-3'
Protein context (NP_002171.2, residues 763-783): EEHGLRHDSS[Gly773Arg]EGKRRFITVS

ClinVar aggregate classification (germline): Uncertain significance. Review status: criteria provided, multiple submitters, no conflicts (2 of 4 stars). 3 submissions from 3 submitters: Uncertain significance (3). Last evaluated 2024-04-26.

Conditions:
Autosomal recessive distal spinal muscular atrophy 1. Also called: NEURONOPATHY, DISTAL HEREDITARY MOTOR, HARDING TYPE VI; NEUROPATHY, DISTAL HEREDITARY MOTOR, AUTOSOMAL RECESSIVE 1; HMN VI; Spinal muscular atrophy with respiratory distress 1; NEURONOPATHY, SEVERE INFANTILE AXONAL, WITH RESPIRATORY FAILURE; SEVERE INFANTILE AXONAL NEUROPATHY WITH RESPIRATORY FAILURE. Identifiers: Orphanet 98920, MedGen C1858517, MONDO:0011436, OMIM 604320.
Charcot-Marie-Tooth disease axonal type 2S. Also called: CHARCOT-MARIE-TOOTH NEUROPATHY, TYPE 2S; CHARCOT-MARIE-TOOTH DISEASE, AXONAL, AUTOSOMAL RECESSIVE, TYPE 2S. Identifiers: Orphanet 443073, MedGen C4015349, MONDO:0014511, OMIM 616155.

Allele frequency attached by ClinVar (database versions not stated): ExAC 0.00003; gnomAD exomes 0.00003; gnomAD 0.00004 and 0.00005; TOPMed 0.00005; 1000 Genomes Project 30x 0.00031.
gnomAD v4.1: 57 of 1,613,952 alleles (0.0035%); highest among the groups gnomAD compares: East Asian, 0.0089%; no homozygotes.

Submissions (3):

Blueprint Genetics
Classification: Uncertain significance. Last evaluated: 2024-04-26. Review status: criteria provided, single submitter. Criteria: ACMG Guidelines, 2015. Collection method: clinical testing. Allele origin: germline.

Labcorp Genetics (formerly Invitae), Labcorp
Classification: Uncertain significance for Autosomal recessive distal spinal muscular atrophy 1; Charcot-Marie-Tooth disease axonal type 2S. Last evaluated: 2022-06-01. Review status: criteria provided, single submitter. Criteria: Invitae Variant Classification Sherloc (09022015). Collection method: clinical testing. Allele origin: germline.
Comment: This sequence change replaces glycine, which is neutral and non-polar, with arginine, which is basic and polar, at codon 773 of the IGHMBP2 protein (p.Gly773Arg). This variant is present in population databases (rs754559345, gnomAD 0.02%). This variant has not been reported in the literature in individuals affected with IGHMBP2-related conditions. ClinVar contains an entry for this variant (Variation ID: 582685). Advanced modeling of protein sequence and biophysical properties (such as structural, functional, and spatial information, amino acid conservation, physicochemical variation, residue mobility, and thermodynamic stability) performed at Invitae indicates that this missense variant is expected to disrupt IGHMBP2 protein function. In summary, the available evidence is currently insufficient to determine the role of this variant in disease. Therefore, it has been classified as a Variant of Uncertain Significance.

Revvity Omics, Revvity
Classification: Uncertain significance. Last evaluated: 2020-03-05. Review status: criteria provided, single submitter. Criteria: ACMG Guidelines, 2015. Collection method: clinical testing. Allele origin: germline.